The following is an entry in ClinVar:

NM_000038.6(APC):c.3898A>G (p.Asn1300Asp)

Gene: APC (APC regulator of Wnt signaling pathway; plus strand). Cytogenetic location: 5q22.2.
Variant type: single nucleotide variant.
Coding change: c.3898A>G on transcript NM_000038.6 (MANE Select); coding-DNA position 3898, A replaced by G.
Protein change: p.Asn1300Asp; replaces asparagine 1300 with aspartic acid.
Molecular consequence: missense variant.
Genome position (GRCh38, 1-based): chr5:112,839,492, A>G. VCF-style: chr5-112839492-A-G. GRCh37 (hg19) VCF-style: chr5-112175189-A-G.
Other names: c.3898A>G, p.Asn1300Asp (NM_001127510.3, NM_001354895.2); c.3844A>G, p.Asn1282Asp (NM_001127511.3); c.3952A>G, p.Asn1318Asp (NM_001354896.2); c.3928A>G, p.Asn1310Asp (NM_001354897.2); c.3823A>G, p.Asn1275Asp (NM_001354898.2); c.3814A>G, p.Asn1272Asp (NM_001354899.2); c.3775A>G, p.Asn1259Asp (NM_001354900.2); c.3721A>G, p.Asn1241Asp (NM_001354901.2); and 5 more; short protein forms N1300D, N1282D, N1017D, N1272D, N1259D, N1199D, N1209D, N1275D.
Identifiers: ClinVar variation 482312 (VCV000482312.8), dbSNP rs1554085380, ClinGen allele CA16029887.

ClinVar aggregate classification (germline): Uncertain significance. Review status: criteria provided, multiple submitters, no conflicts (2 of 4 stars). 2 submissions from 2 submitters: Uncertain significance (2). Last evaluated 2024-01-27.

Conditions:
Hereditary cancer-predisposing syndrome. Also called: Neoplastic Syndromes, Hereditary; Tumor predisposition; Hereditary Cancer Syndrome; Hereditary neoplastic syndrome. Identifiers: Orphanet 140162, MedGen C0027672, MeSH D009386, MONDO:0015356.
Familial adenomatous polyposis 1 (FAP1). Also called: FAMILIAL ADENOMATOUS POLYPOSIS 1, ATTENUATED; POLYPOSIS, ADENOMATOUS INTESTINAL. Identifiers: MedGen C2713442, MONDO:0021056, OMIM 175100. Disease mechanism: loss of function.

Allele frequency attached by ClinVar (database versions not stated): gnomAD exomes below 0.00001.
gnomAD v4.1: 1 of 1,614,230 alleles (0.000062%); no homozygotes.

Submissions (2):

Labcorp Genetics (formerly Invitae), Labcorp
Classification: Uncertain significance for Familial adenomatous polyposis 1. Last evaluated: 2024-01-27. Review status: criteria provided, single submitter. Criteria: Invitae Variant Classification Sherloc (09022015). Collection method: clinical testing. Allele origin: germline.
Comment: This sequence change replaces asparagine, which is neutral and polar, with aspartic acid, which is acidic and polar, at codon 1300 of the APC protein (p.Asn1300Asp). This variant is not present in population databases (gnomAD no frequency). This variant has not been reported in the literature in individuals affected with APC-related conditions. ClinVar contains an entry for this variant (Variation ID: 482312). Advanced modeling of protein sequence and biophysical properties (such as structural, functional, and spatial information, amino acid conservation, physicochemical variation, residue mobility, and thermodynamic stability) performed at Invitae indicates that this missense variant is not expected to disrupt APC protein function with a negative predictive value of 95%. In summary, the available evidence is currently insufficient to determine the role of this variant in disease. Therefore, it has been classified as a Variant of Uncertain Significance.

Ambry Genetics
Classification: Uncertain significance for Hereditary cancer-predisposing syndrome. Last evaluated: 2016-02-25. Review status: criteria provided, single submitter. Criteria: Ambry Variant Classification Scheme 2023. Collection method: clinical testing. Allele origin: germline.
Comment: The p.N1300D variant (also known as c.3898A>G), located in coding exon 15 of the APC gene, results from an A to G substitution at nucleotide position 3898. The asparagine at codon 1300 is replaced by aspartic acid, an amino acid with highly similar properties. This variant was not reported in population based cohorts in the following databases: Database of Single Nucleotide Polymorphisms (dbSNP), NHLBI Exome Sequencing Project (ESP), and 1000 Genomes Project. In the ESP, this variant was not observed in 6502 samples (13004 alleles) with coverage at this position. To date, this alteration has been detected with an allele frequency of approximately 0.001% (greater than 70000 alleles tested) in our clinical cohort. This amino acid position is not well conserved in available vertebrate species. In addition, in silico predictors for this gene do not accurately predict pathogenicity. Since supporting evidence is limited at this time, the clinical significance of this alteration remains unclear.